The following is an entry in ClinVar:

NM_000179.3(MSH6):c.1049C>T (p.Ala350Val)

Gene: MSH6 (mutS homolog 6; plus strand). Cytogenetic location: 2p16.3.
Variant type: single nucleotide variant.
Coding change: c.1049C>T on transcript NM_000179.3 (MANE Select); coding-DNA position 1049, C replaced by T.
Protein change: p.Ala350Val; replaces alanine 350 with valine.
Molecular consequence: missense variant.
Genome position (GRCh38, 1-based): chr2:47,799,032, C>T. VCF-style: chr2-47799032-C-T. GRCh37 (hg19) VCF-style: chr2-48026171-C-T.
Other names: p.A350V:GCC>GTC; c.659C>T, p.Ala220Val (NM_001281492.2); c.143C>T, p.Ala48Val (NM_001281493.2, NM_001281494.2); short protein forms A350V, A220V, A48V.
Identifiers: ClinVar variation 142244 (VCV000142244.31), dbSNP rs587782331, ClinGen allele CA007866.

ClinVar aggregate classification (germline): Benign/Likely benign. Review status: criteria provided, multiple submitters, no conflicts (2 of 4 stars). 11 submissions from 11 submitters: Benign (5); Likely benign (3). 3 of the submissions do not count toward it. Last evaluated 2026-01-31.

Conditions:
MSH6-related disorder. Also called: MSH6-related condition; MSH6-Related disorders.
Hereditary nonpolyposis colorectal neoplasms. Identifiers: MedGen C0009405, MeSH D003123.
Hereditary cancer-predisposing syndrome. Also called: Neoplastic Syndromes, Hereditary; Tumor predisposition; Hereditary Cancer Syndrome; Hereditary neoplastic syndrome. Identifiers: Orphanet 140162, MedGen C0027672, MeSH D009386, MONDO:0015356.
Lynch syndrome 5 (LYNCH5). Also called: Colorectal cancer, hereditary nonpolyposis, type 5; Hereditary non-polyposis colorectal cancer, type 5. Identifiers: Orphanet 144, MedGen C1833477, MONDO:0013710, OMIM 614350. Disease mechanism: loss of function.

Allele frequency attached by ClinVar (database versions not stated): gnomAD 0.00003; TOPMed 0.00013; gnomAD exomes 0.00024; ExAC 0.00025.
gnomAD v4.1: 68 of 1,614,060 alleles (0.0042%); highest among the groups gnomAD compares: Admixed American, 0.1%; no homozygotes.

Submissions (11):

Labcorp Genetics (formerly Invitae), Labcorp
Classification: Benign for Hereditary nonpolyposis colorectal neoplasms. Last evaluated: 2026-01-31. Review status: criteria provided, single submitter. Criteria: Invitae Variant Classification Sherloc (09022015). Collection method: clinical testing. Allele origin: germline.

Quest Diagnostics Nichols Institute San Juan Capistrano
Classification: Likely benign. Last evaluated: 2025-08-04. Review status: criteria provided, single submitter. Criteria: Quest Diagnostics criteria. Collection method: clinical testing. Allele origin: unknown.

Institute for Biomarker Research, Medical Diagnostic Laboratories, L.L.C.
Classification: Likely benign for Hereditary cancer-predisposing syndrome. Last evaluated: 2025-04-03. Review status: criteria provided, single submitter. Criteria: ACMG Guidelines, 2015. Collection method: clinical testing. Allele origin: germline.
Comment: The missense variant NM_000179.3(MSH6):c.1049C>T (p.Ala350Val) has been reported to ClinVar as Benign/Likely benign with a status of (2 stars) criteria provided, multiple submitters, no conflicts (Variation ID 142244 as of 2025-03-07).There is a small physicochemical difference between alanine and valine, which is not likely to impact secondary protein structure as these residues share similar properties. For these reasons, this variant has been classified as Likely Benign

Myriad Genetics, Inc.
Classification: Benign for Lynch syndrome 5. Last evaluated: 2024-12-20. Review status: criteria provided, single submitter. Criteria: Myriad Autosomal Dominant, Autosomal Recessive and X-Linked Classification Criteria (2023). Collection method: clinical testing. Allele origin: unknown.
Comment: This variant is considered benign. Homozygosity for this variant has been confirmed in one or more individuals lacking clinical features consistent with gene-specific recessive disease, indicating that this variant is unlikely to be pathogenic. This variant is strongly associated with less severe personal and family histories of cancer, typical for individuals without pathogenic variants in this gene [PMID: 27363726].

Color Diagnostics, LLC DBA Color Health
Classification: Benign for Hereditary cancer-predisposing syndrome. Last evaluated: 2024-10-10. Review status: criteria provided, single submitter. Criteria: ACMG Guidelines, 2015. Collection method: clinical testing. Allele origin: germline.

Ambry Genetics
Classification: Benign for Hereditary cancer-predisposing syndrome. Last evaluated: 2023-10-26. Review status: criteria provided, single submitter. Criteria: Ambry Variant Classification Scheme 2023. Collection method: clinical testing. Allele origin: germline.

Women's Health and Genetics/Laboratory Corporation of America, LabCorp
Classification: Benign. Last evaluated: 2021-03-13. Review status: criteria provided, single submitter. Criteria: LabCorp Variant Classification Summary - May 2015. Collection method: clinical testing. Allele origin: germline.
Comment: Variant summary: MSH6 c.1049C>T (p.Ala350Val) results in a non-conservative amino acid change in the encoded protein sequence. Four of five in-silico tools predict a benign effect of the variant on protein function. The variant allele was found at a frequency of 0.00024 in 251258 control chromosomes. The observed variant frequency is approximately 1.7 fold of the estimated maximal expected allele frequency for a pathogenic variant in MSH6 causing Lynch Syndrome phenotype (0.00014), strongly suggesting that the variant is benign. To our knowledge, no occurrence of c.1049C>T in individuals affected with Lynch Syndrome and no experimental evidence demonstrating its impact on protein function have been reported. A recent report evaluating a tumor characteristic likelihood ratio (TCLR) in combination with a multifactorial variant prediction (MVP) model predicted this variant to have a benign outcome (Li_2020). Five clinical diagnostic laboratories have submitted clinical-significance assessments for this variant to ClinVar after 2014 without evidence for independent evaluation (benign, n=2; likely benign, n=2; VUS, n=1). Based on the evidence outlined above, the variant was classified as benign.

GeneDx
Classification: Likely benign. Last evaluated: 2020-02-19. Review status: criteria provided, single submitter. Criteria: GeneDx Variant Classification Process June 2021. Collection method: clinical testing. Allele origin: germline. Affected: yes.

PreventionGenetics, part of Exact Sciences
Classification: Likely benign for MSH6-related condition. Last evaluated: 2023-05-19. Review status: no assertion criteria provided. Collection method: clinical testing. Allele origin: germline. Not counted in ClinVar's aggregate classification.
Comment: This variant is classified as likely benign based on ACMG/AMP sequence variant interpretation guidelines (Richards et al. 2015 PMID: 25741868, with internal and published modifications).

Clinical Genetics, Academic Medical Center
Classification: Likely benign. Review status: no assertion criteria provided. Collection method: clinical testing. Allele origin: germline. Affected: yes. Study: VKGL Data-share Consensus. Not counted in ClinVar's aggregate classification.

Genome Diagnostics Laboratory, University Medical Center Utrecht
Classification: Benign. Review status: no assertion criteria provided. Collection method: clinical testing. Allele origin: germline. Affected: yes. Study: VKGL Data-share Consensus. Not counted in ClinVar's aggregate classification.

Literature cited by the submitters: PubMed 31391288 (cited by Quest Diagnostics Nichols Institute San Juan Capistrano and Women's Health and Genetics/Laboratory Corporation of America, LabCorp); PubMed 33471991 (cited by Quest Diagnostics Nichols Institute San Juan Capistrano); PubMed 26296696 (cited by Quest Diagnostics Nichols Institute San Juan Capistrano and Ambry Genetics); PubMed 27363726 (cited by Myriad Genetics, Inc.).